The following is an entry in ClinVar:

NM_000154.2(GALK1):c.682C>T (p.Arg228Cys)

Gene: GALK1 (galactokinase 1; minus strand). Cytogenetic location: 17q25.1.
Variant type: single nucleotide variant.
Coding change: c.682C>T on transcript NM_000154.2 (MANE Select); coding-DNA position 682, C replaced by T.
Protein change: p.Arg228Cys; replaces arginine 228 with cysteine.
Molecular consequence: missense variant.
Genome position (GRCh38, 1-based): chr17:75,762,815, G>A on the plus strand (C>T on the coding strand, the complement: GALK1 is on the minus strand). VCF-style: chr17-75762815-G-A. GRCh37 (hg19) VCF-style: chr17-73758896-G-A.
Other names: c.682C>T, p.Arg228Cys (NM_001381985.1); short protein forms R228C.
Identifiers: ClinVar variation 5003317 (VCV005003317.1).

ClinVar aggregate classification (germline): Uncertain significance (1 of 4 stars; one submission).

Conditions:
Deficiency of galactokinase. Also called: Galactokinase deficiency with cataracts; GALACTOSEMIA II. Identifiers: Orphanet 352, Orphanet 79237, MedGen C0268155, MONDO:0009255, OMIM 230200.

Submission:

Myriad Genetics, Inc.
Classification: Uncertain significance for Deficiency of galactokinase. Last evaluated: 2026-06-03. Review status: criteria provided, single submitter. Criteria: Myriad Autosomal Dominant, Autosomal Recessive and X-Linked Classification Criteria (2023). Collection method: clinical testing. Allele origin: unknown.
Comment: NM_000154.1(GALK1):c.682C>T(R228C) is a missense variant classified as a variant of uncertain significance in the context of galactokinase deficiency. R228C has not been observed in cases with relevant disease. Relevant functional assessments of this variant are not available in the literature. R228C has been observed in referenced population frequency databases. In summary, there is insufficient evidence to classify NM_000154.1(GALK1):c.682C>T(R228C) as pathogenic or benign. Please note: this variant was assessed in the context of healthy population screening.